The following is an entry in ClinVar:

NM_004260.4(RECQL4):c.1727T>C (p.Val576Ala)

Gene: RECQL4 (RecQ like helicase 4; minus strand). Cytogenetic location: 8q24.3.
Variant type: single nucleotide variant.
Coding change: c.1727T>C on transcript NM_004260.4 (MANE Select); coding-DNA position 1727, T replaced by C.
Protein change: p.Val576Ala; replaces valine 576 with alanine.
Molecular consequence: missense variant.
Genome position (GRCh38, 1-based): chr8:144,514,340, A>G on the plus strand (T>C on the coding strand, the complement: RECQL4 is on the minus strand). VCF-style: chr8-144514340-A-G. GRCh37 (hg19) VCF-style: chr8-145739724-A-G.
Other names: c.1631T>C, p.Val544Ala (NM_001413020.1, NM_001413017.1); c.656T>C, p.Val219Ala (NM_001413021.1, NM_001413022.1, NM_001413023.1 and 6 more transcripts); c.1598T>C, p.Val533Ala (NM_001413025.1); c.590T>C, p.Val197Ala (NM_001413027.1, NM_001413030.1, NM_001413032.1 and 1 more transcripts); c.1376T>C, p.Val459Ala (NM_001413029.1); c.260T>C, p.Val87Ala (NM_001413043.1); c.1727T>C, p.Val576Ala (NM_001413018.1, NM_001413019.1, NM_001413036.1); c.1697T>C, p.Val566Ala (NM_001413039.1); and 1 more; short protein forms V197A, V209A, V219A, V459A, V533A, V544A, V566A, V576A.
Identifiers: ClinVar variation 1713537 (VCV001713537.5), dbSNP rs2130696766, ClinGen allele CA372681209.

ClinVar aggregate classification (germline): Uncertain significance (1 of 4 stars; one submission).

Conditions:
Baller-Gerold syndrome (BGS). Also called: CRANIOSYNOSTOSIS WITH RADIAL DEFECTS. Identifiers: Orphanet 1225, MedGen C0265308, MONDO:0009039, OMIM 218600.

Submission:

Labcorp Genetics (formerly Invitae), Labcorp
Classification: Uncertain significance for Baller-Gerold syndrome. Last evaluated: 2022-07-23. Review status: criteria provided, single submitter. Criteria: Invitae Variant Classification Sherloc (09022015). Collection method: clinical testing. Allele origin: germline.
Comment: This variant is not present in population databases (gnomAD no frequency). In summary, the available evidence is currently insufficient to determine the role of this variant in disease. Therefore, it has been classified as a Variant of Uncertain Significance. Experimental studies and prediction algorithms are not available or were not evaluated, and the functional significance of this variant is currently unknown. This variant has not been reported in the literature in individuals affected with RECQL4-related conditions. This sequence change replaces valine, which is neutral and non-polar, with alanine, which is neutral and non-polar, at codon 576 of the RECQL4 protein (p.Val576Ala).